The following is an entry in ClinVar:

ClinVar aggregate classification (germline): Uncertain significance (1 of 4 stars; one submission).

Conditions:
Charcot-Marie-Tooth disease axonal type 2V. Also called: CHARCOT-MARIE-TOOTH NEUROPATHY, TYPE 2V; CHARCOT-MARIE-TOOTH DISEASE, AXONAL, AUTOSOMAL DOMINANT, TYPE 2V. Identifiers: Orphanet 447964, MedGen C5569050, MONDO:0014665, OMIM 616491.
Mucopolysaccharidosis, MPS-III-B (MPS3B). Also called: MPS IIIB (Sanfilippo Syndrome Type B); N-ACETYL-ALPHA-D-GLUCOSAMINIDASE DEFICIENCY; NAGLU DEFICIENCY; MUCOPOLYSACCHARIDOSIS, TYPE IIIB; Mucopolysaccharidosis type IIIB (Sanfilippo B); SANFILIPPO SYNDROME B. Identifiers: Orphanet 79270, MedGen C0086648, MONDO:0009656, OMIM 252920.

Allele frequency attached by ClinVar (database versions not stated): TOPMed below 0.00001.

Submission:

Labcorp Genetics (formerly Invitae), Labcorp
Classification: Uncertain significance for Charcot-Marie-Tooth disease axonal type 2V; Mucopolysaccharidosis, MPS-III-B. Last evaluated: 2025-03-31. Review status: criteria provided, single submitter. Criteria: Invitae Variant Classification Sherloc (09022015). Collection method: clinical testing. Allele origin: germline.
Comment: This sequence change replaces glycine, which is neutral and non-polar, with arginine, which is basic and polar, at codon 183 of the NAGLU protein (p.Gly183Arg). This variant is not present in population databases (gnomAD no frequency). This variant has not been reported in the literature in individuals affected with NAGLU-related conditions. ClinVar contains an entry for this variant (Variation ID: 1387137). Invitae Evidence Modeling of protein sequence and biophysical properties (such as structural, functional, and spatial information, amino acid conservation, physicochemical variation, residue mobility, and thermodynamic stability) indicates that this missense variant is expected to disrupt NAGLU protein function with a positive predictive value of 95%. In summary, the available evidence is currently insufficient to determine the role of this variant in disease. Therefore, it has been classified as a Variant of Uncertain Significance.

NM_000263.4(NAGLU):c.547G>C (p.Gly183Arg)

Gene: NAGLU (N-acetyl-alpha-glucosaminidase; plus strand). Cytogenetic location: 17q21.2.
Variant type: single nucleotide variant.
Coding change: c.547G>C on transcript NM_000263.4 (MANE Select); coding-DNA position 547, G replaced by C.
Protein change: p.Gly183Arg; replaces glycine 183 with arginine.
Molecular consequence: missense variant.
Genome position (GRCh38, 1-based): chr17:42,538,354, G>C. VCF-style: chr17-42538354-G-C. GRCh37 (hg19) VCF-style: chr17-40690372-G-C.
Other names: short protein forms G183R.
Identifiers: ClinVar variation 1387137 (VCV001387137.6), dbSNP rs1056643237, ClinGen allele CA290773098.